The following is an entry in ClinVar:

NM_006231.4(POLE):c.2207T>G (p.Ile736Ser)

Gene: POLE (DNA polymerase epsilon, catalytic subunit; minus strand). Cytogenetic location: 12q24.33.
Variant type: single nucleotide variant.
Coding change: c.2207T>G on transcript NM_006231.4 (MANE Select); coding-DNA position 2207, T replaced by G.
Protein change: p.Ile736Ser; replaces isoleucine 736 with serine.
Molecular consequence: missense variant.
Genome position (GRCh38, 1-based): chr12:132,667,615, A>C on the plus strand (T>G on the coding strand, the complement: POLE is on the minus strand). VCF-style: chr12-132667615-A-C. GRCh37 (hg19) VCF-style: chr12-133244201-A-C.
Other names: short protein forms I736S.
Identifiers: ClinVar variation 405794 (VCV000405794.8), dbSNP rs1060500850, ClinGen allele CA16613704.

ClinVar aggregate classification (germline): Uncertain significance (1 of 4 stars; one submission).

Submission:

Labcorp Genetics (formerly Invitae), Labcorp
Classification: Uncertain significance. Last evaluated: 2016-11-22. Review status: criteria provided, single submitter. Criteria: Invitae Variant Classification Sherloc (09022015). Collection method: clinical testing. Allele origin: germline.
Comment: In summary, this variant is a novel missense change with uncertain impact on protein function. It has been classified as a Variant of Uncertain Significance. Algorithms developed to predict the effect of missense changes on protein structure and function do not agree on the potential impact of this missense change (SIFT: "Deleterious"; PolyPhen-2: "Benign"; Align-GVGD: "Class C35"). This variant is not present in population databases (ExAC no frequency) and has not been reported in the literature in individuals with a POLE-related disease. This sequence change replaces isoleucine with serine at codon 736 of the POLE protein (p.Ile736Ser). The isoleucine residue is weakly conserved and there is a large physicochemical difference between isoleucine and serine.